The following is an entry in ClinVar:

NM_207361.6(FREM2):c.8344_8345delinsA (p.Leu2782fs)

Gene: FREM2 (FRAS1 related extracellular matrix 2; plus strand). Cytogenetic location: 13q13.3.
Variant type: Indel.
Coding change: c.8344_8345delinsA on transcript NM_207361.6 (MANE Select); coding-DNA positions 8344 to 8345, CT replaced by A.
Protein change: p.Leu2782fs; shifts the reading frame from leucine 2782.
Molecular consequence: frameshift variant.
Genome position (GRCh38, 1-based): chr13:38,876,084-38,876,085, CT replaced by A. VCF-style: chr13-38876084-CT-A. GRCh37 (hg19) VCF-style: chr13-39450221-CT-A.
Other names: short protein forms L2782fs.
Identifiers: ClinVar variation 2633034 (VCV002633034.1), dbSNP rs2541507210, ClinGen allele CA2695199734.

ClinVar aggregate classification (germline): Likely pathogenic (1 of 4 stars; one submission).

Conditions:
FREM2-related disorder. Also called: FREM2-related condition.

Submission:

PreventionGenetics, part of Exact Sciences
Classification: Likely pathogenic for FREM2-related condition. Last evaluated: 2023-04-13. Review status: criteria provided, single submitter. Criteria: ACMG Guidelines, 2015. Collection method: clinical testing. Allele origin: germline.
Comment: The FREM2 c.8344_8345delinsA variant is predicted to result in a frameshift and premature protein termination (p.Leu2782Thrfs*2). To our knowledge, this variant has not been reported in the literature or in a large population database, indicating this variant is rare. Frameshift variants in FREM2 are expected to be pathogenic. This variant is interpreted as likely pathogenic.